The following is an entry in ClinVar:

ClinVar aggregate classification (germline): Likely benign (1 of 4 stars; one submission).

Allele frequency attached by ClinVar (database versions not stated): TOPMed 0.00005; ExAC 0.00007; ESP Exome Variant Server 0.00008; gnomAD 0.00008; gnomAD exomes 0.00014.
gnomAD v4.1: 214 of 1,612,164 alleles (0.013%); highest among the groups gnomAD compares: Non-Finnish European, 0.017%; no homozygotes.

Submission:

CeGaT Center for Human Genetics Tuebingen
Classification: Likely benign. Last evaluated: 2022-06-01. Review status: criteria provided, single submitter. Criteria: CeGaT Center For Human Genetics Tuebingen Variant Classification Criteria Version 2. Collection method: clinical testing. Allele origin: germline. Affected: yes. Observed: 1 variant allele.
Comment: MPP2: BP4, BP7

NM_005374.5(MPP2):c.594C>T (p.Arg198=)

Gene: MPP2 (MAGUK p55 scaffold protein 2; minus strand). Cytogenetic location: 17q21.31.
Variant type: single nucleotide variant.
Coding change: c.594C>T on transcript NM_005374.5 (MANE Select); coding-DNA position 594, C replaced by T.
Protein change: p.Arg198=; no amino-acid change (arginine 198 retained).
Molecular consequence: synonymous variant.
Genome position (GRCh38, 1-based): chr17:43,882,371, G>A on the plus strand (C>T on the coding strand, the complement: MPP2 is on the minus strand). VCF-style: chr17-43882371-G-A. GRCh37 (hg19) VCF-style: chr17-41959739-G-A.
Other names: c.729C>T, p.Arg243= (NM_001278370.2); c.561C>T, p.Arg187= (NM_001278371.2, NM_001278373.2, NM_001278375.2); c.666C>T, p.Arg222= (NM_001278372.2); c.177C>T, p.Arg59= (NM_001278374.2); c.645C>T, p.Arg215= (NM_001278376.3); c.594C>T, p.Arg198= (NM_001278381.2).
Identifiers: ClinVar variation 2647816 (VCV002647816.24), dbSNP rs373420807, ClinGen allele CA8594578.